The following is an entry in ClinVar:

NM_000458.4(HNF1B):c.1340-3C>T

Gene: HNF1B (HNF1 homeobox B; minus strand). Cytogenetic location: 17q12.
Variant type: single nucleotide variant.
Coding change: c.1340-3C>T on transcript NM_000458.4 (MANE Select); 3 bases into the intron before coding-DNA position 1340, C replaced by T.
Molecular consequence: intron variant.
Genome position (GRCh38, 1-based): chr17:37,701,180, G>A on the plus strand (C>T on the coding strand, the complement: HNF1B is on the minus strand). VCF-style: chr17-37701180-G-A. GRCh37 (hg19) VCF-style: chr17-36061185-G-A.
Other names: c.1261+3737C>T (NM_001304286.2); c.1262-3C>T (NM_001165923.4).
Identifiers: ClinVar variation 1802526 (VCV001802526.1), dbSNP rs2032559501, ClinGen allele CA2258514273.

ClinVar aggregate classification (germline): Uncertain risk allele (1 of 4 stars; one submission).

Conditions:
Maturity-onset diabetes of the young (MODY). Also called: Maturity onset diabetes mellitus in young. Identifiers: Orphanet 552, MedGen C0342276, MONDO:0018911, HP:0004904.

Allele frequency attached by ClinVar (database versions not stated): gnomAD exomes below 0.00001.
gnomAD v4.1: 4 of 1,550,662 alleles (0.00026%); highest among the groups gnomAD compares: Non-Finnish European, 0.00035%; no homozygotes.

Submission:

Clinical Genomics, Uppaluri K&H Personalized Medicine Clinic
Classification: Uncertain risk allele for Maturity-onset diabetes of the young. Review status: criteria provided, single submitter. Criteria: K & H Uppaluri Personalized Medicine Clinic Variant Classification & Assertion Criteria_Updated V.1. Collection method: research. Allele origin: unknown. Inheritance: Autosomal dominant inheritance.
Comment: HNF1B gene mutations are associated with early onset diabetes and pancreatic atrophy. It is also associated with multiple renal manifestations including renal cysts, Tubulointerstitial disease, glomerulocystic disease, renal hypoplasia, hypomagnesemia. However no sufficient evidence is found to ascertain the role of this particular variant rs2032559501, yet.

Literature cited by the submitters: PubMed 24897035; PubMed 25536396; PubMed 27615128; PubMed 28215227; PubMed 33434175; PubMed 25741167; PubMed 26340261; PubMed 19639018.